The following is an entry in ClinVar:

NM_000814.6(GABRB3):c.1081G>A (p.Val361Met)

Gene: GABRB3 (gamma-aminobutyric acid type A receptor subunit beta3; minus strand). Cytogenetic location: 15q12.
Variant type: single nucleotide variant.
Coding change: c.1081G>A on transcript NM_000814.6 (MANE Select); coding-DNA position 1081, G replaced by A.
Protein change: p.Val361Met; replaces valine 361 with methionine.
Molecular consequence: missense variant.
Genome position (GRCh38, 1-based): chr15:26,548,134, C>T on the plus strand (G>A on the coding strand, the complement: GABRB3 is on the minus strand). VCF-style: chr15-26548134-C-T. GRCh37 (hg19) VCF-style: chr15-26793281-C-T.
Other names: c.826G>A, p.Val276Met (NM_001191320.2, NM_001278631.2); c.868G>A, p.Val290Met (NM_001191321.3); c.1081G>A, p.Val361Met (NM_021912.5); c.1081G>A (NM_000814.5); short protein forms V290M, V276M, V361M.
Identifiers: ClinVar variation 1370912 (VCV001370912.7), dbSNP rs1889329356, ClinGen allele CA391459466.
Genomic context (GRCh38, chr15:26,548,134, plus strand): 5'-CCTCATTCATTTCATTGTGAACTTCCAGCGATGTCAACAGAATATTTCCATGAGCATCCA[C>T]CTAATTGGACGGAAAATGCACATGGTTAGACAGCCAGCAGCATAATTTCCCTATGCAGAT-3'
Protein context (NP_000805.1, residues 351-371): NDRSKSESNR[Val361Met]DAHGNILLTS

ClinVar aggregate classification (germline): Uncertain significance (1 of 4 stars; one submission).

Conditions:
Epilepsy, childhood absence, susceptibility to, 5. Identifiers: Orphanet 64280, MedGen C2677087, MONDO:0012843, OMIM 612269.
Epilepsy, childhood absence, susceptibility to, 1. Also called: Epilepsy, childhood absence 1. Identifiers: Orphanet 64280, MedGen C1838604, MONDO:0020759, OMIM 600131.
Developmental and epileptic encephalopathy, 43 (DEE43). Also called: Epileptic encephalopathy, early infantile, 43. Identifiers: MedGen C4310712, MONDO:0014921, OMIM 617113.

Allele frequency attached by ClinVar (database versions not stated): gnomAD exomes below 0.00001; TOPMed below 0.00001.
gnomAD v4.1: 4 of 1,613,248 alleles (0.00025%); highest among the groups gnomAD compares: Non-Finnish European, 0.00025%; no homozygotes.

Submission:

Labcorp Genetics (formerly Invitae), Labcorp
Classification: Uncertain significance for Epilepsy, childhood absence, susceptibility to, 5; Epilepsy, childhood absence, susceptibility to, 1. Last evaluated: 2025-02-24. Review status: criteria provided, single submitter. Criteria: Invitae Variant Classification Sherloc (09022015). Collection method: clinical testing. Allele origin: germline.
Comment: This sequence change replaces valine, which is neutral and non-polar, with methionine, which is neutral and non-polar, at codon 361 of the GABRB3 protein (p.Val361Met). This variant is not present in population databases (gnomAD no frequency). This missense change has been observed in individuals with clinical features of GABRB3-related conditions (internal data). ClinVar contains an entry for this variant (Variation ID: 1370912). Invitae Evidence Modeling of protein sequence and biophysical properties (such as structural, functional, and spatial information, amino acid conservation, physicochemical variation, residue mobility, and thermodynamic stability) indicates that this missense variant is not expected to disrupt GABRB3 protein function with a negative predictive value of 95%. In summary, the available evidence is currently insufficient to determine the role of this variant in disease. Therefore, it has been classified as a Variant of Uncertain Significance.